The following is an entry in ClinVar:

ClinVar aggregate classification (germline): Uncertain significance (1 of 4 stars; one submission).

Allele frequency attached by ClinVar (database versions not stated): TOPMed below 0.00001; gnomAD 0.00001; gnomAD exomes 0.00001 and 0.00002; ExAC 0.00002; ESP Exome Variant Server 0.00008.
gnomAD v4.1: 29 of 1,613,956 alleles (0.0018%); highest among the groups gnomAD compares: Non-Finnish European, 0.0022%; no homozygotes.

Submission:

Labcorp Genetics (formerly Invitae), Labcorp
Classification: Uncertain significance. Last evaluated: 2021-03-27. Review status: criteria provided, single submitter. Criteria: Invitae Variant Classification Sherloc (09022015). Collection method: clinical testing. Allele origin: germline.
Comment: In summary, the available evidence is currently insufficient to determine the role of this variant in disease. Therefore, it has been classified as a Variant of Uncertain Significance. Nucleotide substitutions within the consensus splice site are a relatively common cause of aberrant splicing (PMID: 17576681, 9536098). Algorithms developed to predict the effect of sequence changes on RNA splicing suggest that this variant may disrupt the consensus splice site, but this prediction has not been confirmed by published transcriptional studies. This variant has not been reported in the literature in individuals with DNASE2-related conditions. This variant is present in population databases (rs376167745, ExAC 0.003%). This sequence change falls in intron 4 of the DNASE2 gene. It does not directly change the encoded amino acid sequence of the DNASE2 protein. It affects a nucleotide within the consensus splice site of the intron.

Literature cited by the submitters: PubMed 17576681; PubMed 9536098.

NM_001375.3(DNASE2):c.511+5G>A

Gene: DNASE2 (deoxyribonuclease 2, lysosomal; minus strand). Cytogenetic location: 19p13.13.
Variant type: single nucleotide variant.
Coding change: c.511+5G>A on transcript NM_001375.3 (MANE Select); 5 bases into the intron after coding-DNA position 511, G replaced by A.
Molecular consequence: intron variant.
Genome position (GRCh38, 1-based): chr19:12,878,665, C>T on the plus strand (G>A on the coding strand, the complement: DNASE2 is on the minus strand). VCF-style: chr19-12878665-C-T. GRCh37 (hg19) VCF-style: chr19-12989479-C-T.
Identifiers: ClinVar variation 1463731 (VCV001463731.4), dbSNP rs376167745, ClinGen allele CA9233765.
Genomic context (GRCh38, chr19:12,878,665, plus strand): 5'-GCAAGATCGTTCCAGGTTCTGGTCAGTAAACCCAGGACTCATCCTGTGTCCCTGACTCGA[C>T]TTACCCATCTTCGAGAACTGAGCGAAGGGAAAAGACACACAGAGCAGGGTCTGCCCGTAG-3'